The following is an entry in ClinVar:

NM_000137.4(FAH):c.1056C>T (p.Ser352=)

Gene: FAH (fumarylacetoacetate hydrolase; plus strand). Cytogenetic location: 15q25.1.
Variant type: single nucleotide variant.
Coding change: c.1056C>T on transcript NM_000137.4 (MANE Select); coding-DNA position 1056, C replaced by T.
Protein change: p.Ser352=; no amino-acid change (serine 352 retained).
Molecular consequence: synonymous variant.
Genome position (GRCh38, 1-based): chr15:80,180,219, C>T. VCF-style: chr15-80180219-C-T. GRCh37 (hg19) VCF-style: chr15-80472561-C-T.
Other names: p.Ser352=; c.1056C>T, p.Ser352= (NM_001374377.1, NM_001374380.1).
Identifiers: ClinVar variation 167054 (VCV000167054.28), dbSNP rs1801374, ClinGen allele CA180028.

ClinVar aggregate classification (germline): Benign. Review status: criteria provided, multiple submitters, no conflicts (2 of 4 stars). 12 submissions from 12 submitters: Benign (10). 2 of the submissions do not count toward it. Last evaluated 2026-02-04.

Conditions:
Tyrosinemia type I (TYRSN1). Also called: FAH DEFICIENCY; HEPATORENAL TYROSINEMIA; Tyrosinemia type 1; Fumarylacetoacetase deficiency; Deficiency of fumarylacetoacetase. Identifiers: Orphanet 882, MedGen C0268490, MONDO:0010161, OMIM 276700. Disease mechanism: loss of function.

Allele frequency attached by ClinVar (database versions not stated): ESP Exome Variant Server 0.04160; TOPMed 0.04910; 1000 Genomes Project 30x 0.05981; 1000 Genomes Project 0.05990; gnomAD 0.06041.
gnomAD v4.1: 81,033 of 1,605,318 alleles (5%); highest among the groups gnomAD compares: East Asian, 8%; 2,444 homozygotes.

Submissions (12):

Labcorp Genetics (formerly Invitae), Labcorp
Classification: Benign for Tyrosinemia type I. Last evaluated: 2026-02-04. Review status: criteria provided, single submitter. Criteria: Invitae Variant Classification Sherloc (09022015). Collection method: clinical testing. Allele origin: germline.

Blueprint Genetics
Classification: Benign. Last evaluated: 2024-11-27. Review status: criteria provided, single submitter. Criteria: ACMG Guidelines, 2015. Collection method: clinical testing. Allele origin: germline.

Mayo Clinic Laboratories, Mayo Clinic
Classification: Benign. Last evaluated: 2023-04-03. Review status: criteria provided, single submitter. Criteria: ACMG Guidelines, 2015. Collection method: clinical testing. Allele origin: germline. Observed: 147 variant alleles.

Genome-Nilou Lab
Classification: Benign for Tyrosinemia type I. Last evaluated: 2021-07-01. Review status: criteria provided, single submitter. Criteria: ACMG Guidelines, 2015. Collection method: clinical testing. Allele origin: germline. Affected: no.

Women's Health and Genetics/Laboratory Corporation of America, LabCorp
Classification: Benign. Last evaluated: 2018-02-01. Review status: criteria provided, single submitter. Criteria: LabCorp Variant Classification Summary - May 2015. Collection method: clinical testing. Allele origin: germline.
Comment: Variant summary: FAH c.1056C>T alters a non-conserved nucleotide resulting in a synonymous change. 5/5 computational tools predict no significant impact on normal splicing. However, these predictions have yet to be confirmed by functional studies. The variant allele was found at a frequency of 0.058 in 269822 control chromosomes in the gnomAD database, including 572 homozygotes. The observed variant frequency is over 20 fold of the estimated maximal expected allele frequency for a pathogenic variant in FAH causing Tyrosinemia Type 1 phenotype (0.0025), strongly suggesting that the variant is benign. To our knowledge, no occurrence of c.1056C>T in individuals affected with Tyrosinemia Type 1 and no experimental evidence demonstrating its impact on protein function have been reported. Two clinical diagnostic laboratories have submitted clinical-significance assessments for this variant to ClinVar after 2014 without evidence for independent evaluation. All laboratories classified the variant as benign/likely benign. Based on the evidence outlined above, the variant was classified as benign.

Illumina Laboratory Services, Illumina
Classification: Benign for Tyrosinemia type I. Last evaluated: 2018-01-13. Review status: criteria provided, single submitter. Criteria: ICSL Variant Classification Criteria 13 December 2019. Collection method: clinical testing. Allele origin: germline.
Comment: This variant was observed in the ICSL laboratory as part of a predisposition screen in an ostensibly healthy population. It had not been previously curated by ICSL or reported in the Human Gene Mutation Database (HGMD: prior to June 1st, 2018), and was therefore a candidate for classification through an automated scoring system. Utilizing variant allele frequency, disease prevalence and penetrance estimates, and inheritance mode, an automated score was calculated to assess if this variant is too frequent to cause the disease. Based on the score and internal cut-off values, a variant classified as benign is not then subjected to further curation. The score for this variant resulted in a classification of benign for this disease.

GeneDx
Classification: Benign. Last evaluated: 2016-01-22. Review status: criteria provided, single submitter. Criteria: GeneDx Variant Classification (06012015). Collection method: clinical testing. Allele origin: germline. Affected: yes.
Comment: This variant is considered likely benign or benign based on one or more of the following criteria: it is a conservative change, it occurs at a poorly conserved position in the protein, it is predicted to be benign by multiple in silico algorithms, and/or has population frequency not consistent with disease.

Eurofins Ntd Llc (ga)
Classification: Benign. Last evaluated: 2014-02-19. Review status: criteria provided, single submitter. Criteria: EGL Classification Definitions 2015. Collection method: clinical testing. Allele origin: germline. Observed: 1 variant allele, 1 homozygote.

Breakthrough Genomics
Classification: Benign. Review status: criteria provided, single submitter. Criteria: ACMG Guidelines, 2015. Collection method: not provided. Allele origin: germline. Inheritance: Autosomal recessive inheritance. Affected: yes.

PreventionGenetics, part of Exact Sciences
Classification: Benign. Review status: criteria provided, single submitter. Criteria: ACMG Guidelines, 2015. Collection method: clinical testing. Allele origin: germline.

Diagnostic Laboratory, Department of Genetics, University Medical Center Groningen
Classification: Benign. Review status: no assertion criteria provided. Collection method: clinical testing. Allele origin: germline. Affected: yes. Study: VKGL Data-share Consensus. Not counted in ClinVar's aggregate classification.

Genome Diagnostics Laboratory, University Medical Center Utrecht
Classification: Benign. Review status: no assertion criteria provided. Collection method: clinical testing. Allele origin: germline. Affected: yes. Study: VKGL Data-share Consensus. Not counted in ClinVar's aggregate classification.